The following is an entry in ClinVar:

ClinVar aggregate classification (germline): Conflicting classifications of pathogenicity. Review status: criteria provided, conflicting classifications (1 of 4 stars). 4 submissions from 4 submitters: Likely pathogenic (1); Uncertain significance (3). Last evaluated 2025-07-22.

Conditions:
Cardiovascular phenotype. Identifiers: MedGen CN230736.
Cardiomyopathy (CMYO). Also called: Cardiomyopathies. Identifiers: Orphanet 167848, MedGen C0878544, MONDO:0004994, HP:0001638. Inheritance: Various modes of inheritance.
Hypertrophic cardiomyopathy 10. Also called: CARDIOMYOPATHY, HYPERTROPHIC, MID-LEFT VENTRICULAR CHAMBER TYPE, 2; MYL2-Related Familial Hypertrophic Cardiomyopathy. Identifiers: MedGen C1834460, MONDO:0012112, OMIM 608758.

Allele frequency attached by ClinVar (database versions not stated): gnomAD exomes below 0.00001; TOPMed below 0.00001; gnomAD 0.00001.

Submissions (4):

Labcorp Genetics (formerly Invitae), Labcorp
Classification: Uncertain significance for Hypertrophic cardiomyopathy 10. Last evaluated: 2025-07-22. Review status: criteria provided, single submitter. Criteria: Invitae Variant Classification Sherloc (09022015). Collection method: clinical testing. Allele origin: germline.
Comment: This sequence change replaces glycine, which is neutral and non-polar, with aspartic acid, which is acidic and polar, at codon 42 of the MYL2 protein (p.Gly42Asp). This variant is not present in population databases (gnomAD no frequency). This missense change has been observed in individual(s) with hypertrophic cardiomyopathy (PMID: 30297972). ClinVar contains an entry for this variant (Variation ID: 217490). An algorithm developed to predict the effect of missense changes on protein structure and function (PolyPhen-2) suggests that this variant is likely to be disruptive. In summary, the available evidence is currently insufficient to determine the role of this variant in disease. Therefore, it has been classified as a Variant of Uncertain Significance.

Ambry Genetics
Classification: Uncertain significance for Cardiovascular phenotype. Last evaluated: 2025-02-06. Review status: criteria provided, single submitter. Criteria: Ambry Variant Classification Scheme 2023. Collection method: clinical testing. Allele origin: germline.
Comment: The p.G42D variant (also known as c.125G>A), located in coding exon 3 of the MYL2 gene, results from a G to A substitution at nucleotide position 125. The glycine at codon 42 is replaced by aspartic acid, an amino acid with similar properties. This alteration has been reported in two individuals in the Sarcomeric Human Cardiomyopathy Registry (SHaRe) (Ho CY et al. Circulation, 2018 10;138:1387-1398). This amino acid position is highly conserved in available vertebrate species. In addition, this alteration is predicted to be deleterious by in silico analysis. Since supporting evidence is limited at this time, the clinical significance of this alteration remains unclear.

Color Diagnostics, LLC DBA Color Health
Classification: Uncertain significance for Cardiomyopathy. Last evaluated: 2018-11-30. Review status: criteria provided, single submitter. Criteria: ACMG Guidelines, 2015. Collection method: clinical testing. Allele origin: germline.
Comment: Variant of Uncertain Significance due to insufficient evidence: This missense variant is located in the Ca2+-Mg2+ loop of the EF hand domain 1 of the MYL2 protein. Computational prediction tools and conservation analyses suggest that this variant may have deleterious impact on the protein function. Computational splicing tools suggest that this variant may not impact RNA splicing. To our knowledge, functional assays have not been performed for this variant nor has this variant been reported in individuals affected with cardiovascular disorders in the literature. This variant is rare in the general population and has been identified in 0/277264 chromosomes by the Genome Aggregation Database (gnomAD). Available evidence is insufficient to determine the pathogenicity of this variant conclusively.

Laboratory of Genetics and Molecular Cardiology, University of São Paulo
Classification: Likely pathogenic for Hypertrophic cardiomyopathy 10. Review status: criteria provided, single submitter. Criteria: LGCM Criteria August 2015. Collection method: clinical testing. Allele origin: germline. Inheritance: Autosomal dominant inheritance. Affected: yes. Observed: 2 variant alleles. Study: Sarcomeric Human Cardiomyopathy Registry (ShaRe).

Literature cited by the submitters: PubMed 30297972 (cited by Labcorp Genetics (formerly Invitae), Labcorp and Ambry Genetics).

NM_000432.4(MYL2):c.125G>A (p.Gly42Asp)

Gene: MYL2 (myosin light chain 2; minus strand). Cytogenetic location: 12q24.11.
Variant type: single nucleotide variant.
Coding change: c.125G>A on transcript NM_000432.4 (MANE Select); coding-DNA position 125, G replaced by A.
Protein change: p.Gly42Asp; replaces glycine 42 with aspartic acid.
Molecular consequence: missense variant.
Genome position (GRCh38, 1-based): chr12:110,915,759, C>T on the plus strand (G>A on the coding strand, the complement: MYL2 is on the minus strand). VCF-style: chr12-110915759-C-T. GRCh37 (hg19) VCF-style: chr12-111353563-C-T.
Other names: short protein forms G42D.
Identifiers: ClinVar variation 217490 (VCV000217490.13), dbSNP rs863225117, ClinGen allele CA279277.